The following is an entry in ClinVar:

ClinVar aggregate classification (germline): Likely benign. Review status: criteria provided, single submitter (1 of 4 stars). 2 submissions from 2 submitters: Likely benign (1). 1 of the submissions does not count toward it. Last evaluated 2024-11-01.

Conditions:
ARR3-related disorder. Also called: ARR3-related condition.

gnomAD v4.1: 2,146 of 1,209,147 alleles (0.18%); highest among the groups gnomAD compares: Non-Finnish European, 0.21%; 1 homozygote.

Submissions (2):

Blueprint Genetics
Classification: Likely benign. Last evaluated: 2024-11-01. Review status: criteria provided, single submitter. Criteria: ACMG Guidelines, 2015. Collection method: clinical testing. Allele origin: germline.

PreventionGenetics, part of Exact Sciences
Classification: Likely benign for ARR3-related condition. Last evaluated: 2024-09-22. Review status: no assertion criteria provided. Collection method: clinical testing. Allele origin: germline. Not counted in ClinVar's aggregate classification.
Comment: This variant is classified as likely benign based on ACMG/AMP sequence variant interpretation guidelines (Richards et al. 2015 PMID: 25741868, with internal and published modifications).

NM_004312.3(ARR3):c.1052C>G (p.Pro351Arg)

Gene: ARR3 (arrestin 3; plus strand). Cytogenetic location: Xq13.1.
Variant type: single nucleotide variant.
Coding change: c.1052C>G on transcript NM_004312.3 (MANE Select); coding-DNA position 1052, C replaced by G.
Protein change: p.Pro351Arg; replaces proline 351 with arginine.
Molecular consequence: missense variant.
Genome position (GRCh38, 1-based): chrX:70,280,804, C>G. VCF-style: chrX-70280804-C-G. GRCh37 (hg19) VCF-style: chrX-69500654-C-G.
Other names: short protein forms P351R.
Identifiers: ClinVar variation 3352517 (VCV003352517.2).
Genomic context (GRCh38, chrX:70,280,804, plus strand): 5'-CTCCACCTTGGGATCCTTGCAGCGATGTTGGTGTGGAGCTACCCTTGGTCCTGATCCATC[C>G]GAAGCCATCTCATGGTGAGTGACCAGGTGGAACTCACAGGGACGGCTGTCCTGAGGGCTG-3'
Protein context (NP_004303.2, residues 341-361): GVELPLVLIH[Pro351Arg]KPSHEAASSE